The following is an entry in ClinVar:

ClinVar aggregate classification (germline): Conflicting classifications of pathogenicity. Review status: criteria provided, conflicting classifications (1 of 4 stars). 8 submissions from 8 submitters: Uncertain significance (1); Benign (2); Likely benign (5). Last evaluated 2026-02-02.

Conditions:
Tuberous sclerosis 2 (TSC2). Identifiers: Orphanet 805, MedGen C1860707, MONDO:0013199, OMIM 613254.
Isolated focal cortical dysplasia type II (FCORD2). Also called: CORTICAL DYSPLASIA OF TAYLOR; Focal cortical dysplasia type II. Identifiers: Orphanet 268994, MedGen C1846385, MONDO:0011818, OMIM 607341, HP:0032051.
Lymphangiomyomatosis (LAM). Also called: Lymphangioleiomyomatosis; Lymphangioleiomyomatosis, somatic. Identifiers: Orphanet 538, MedGen C0751674, MONDO:0011705, OMIM 606690.
Hereditary cancer-predisposing syndrome. Also called: Neoplastic Syndromes, Hereditary; Tumor predisposition; Hereditary Cancer Syndrome; Hereditary neoplastic syndrome. Identifiers: Orphanet 140162, MedGen C0027672, MeSH D009386, MONDO:0015356.
Tuberous sclerosis syndrome (TSC). Also called: Tuberous Sclerosis Complex; Tuberous sclerosis. Identifiers: Orphanet 805, MedGen C0041341, MONDO:0001734.

Allele frequency attached by ClinVar (database versions not stated): gnomAD exomes 0.00001; TOPMed 0.00072.
gnomAD v4.1: 5 of 1,612,030 alleles (0.00031%); highest among the groups gnomAD compares: Non-Finnish European, 0.00042%; no homozygotes.

Submissions (8):

Labcorp Genetics (formerly Invitae), Labcorp
Classification: Benign for Tuberous sclerosis 2. Last evaluated: 2026-02-02. Review status: criteria provided, single submitter. Criteria: Invitae Variant Classification Sherloc (09022015). Collection method: clinical testing. Allele origin: germline.

Myriad Genetics, Inc.
Classification: Benign for Tuberous sclerosis 2. Last evaluated: 2025-05-30. Review status: criteria provided, single submitter. Criteria: Myriad Autosomal Dominant, Autosomal Recessive and X-Linked Classification Criteria (2023). Collection method: clinical testing. Allele origin: unknown.
Comment: This variant is considered benign. This variant is a silent/synonymous amino acid change and it is not expected to impact splicing.

Ambry Genetics
Classification: Likely benign for Hereditary cancer-predisposing syndrome. Last evaluated: 2025-04-03. Review status: criteria provided, single submitter. Criteria: Ambry Variant Classification Scheme 2023. Collection method: clinical testing. Allele origin: germline.

All of Us Research Program, National Institutes of Health
Classification: Likely benign for Tuberous sclerosis syndrome. Last evaluated: 2022-12-05. Review status: criteria provided, single submitter. Criteria: ACMG Guidelines, 2015. Collection method: clinical testing. Allele origin: germline. Inheritance: Autosomal dominant inheritance. Observed: 1 variant allele, 1 heterozygote.
Comment: This study involves interpretation of variants in research participants for the purpose of population health screening. Participant phenotype was not available at the time of variant classification. Additional details can be found in publication PMID: 35346344, PMCID: PMC8962531

Color Diagnostics, LLC DBA Color Health
Classification: Likely benign for Tuberous sclerosis syndrome. Last evaluated: 2022-09-20. Review status: criteria provided, single submitter. Criteria: ACMG Guidelines, 2015. Collection method: clinical testing. Allele origin: germline.

GeneDx
Classification: Uncertain significance. Last evaluated: 2022-08-04. Review status: criteria provided, single submitter. Criteria: GeneDx Variant Classification Process June 2021. Collection method: clinical testing. Allele origin: germline. Affected: yes.
Comment: Not observed at significant frequency in large population cohorts (gnomAD); In-silico analysis is inconclusive as to whether the variant alters gene splicing. In the absence of RNA/functional studies, the actual effect of this sequence change is unknown.; Has not been previously published as pathogenic or benign to our knowledge

Fulgent Genetics
Classification: Likely benign for Lymphangiomyomatosis; Isolated focal cortical dysplasia type II; Tuberous sclerosis 2. Last evaluated: 2021-12-28. Review status: criteria provided, single submitter. Criteria: ACMG Guidelines, 2015. Collection method: clinical testing. Allele origin: unknown.

Blueprint Genetics
Classification: Likely benign. Last evaluated: 2021-05-31. Review status: criteria provided, single submitter. Criteria: ACMG Guidelines, 2015. Collection method: clinical testing. Allele origin: germline.

NM_000548.5(TSC2):c.3855A>G (p.Gly1285=)

Gene: TSC2 (TSC complex subunit 2; plus strand). Cytogenetic location: 16p13.3.
Variant type: single nucleotide variant.
Coding change: c.3855A>G on transcript NM_000548.5 (MANE Select); coding-DNA position 3855, A replaced by G.
Protein change: p.Gly1285=; no amino-acid change (glycine 1285 retained).
Molecular consequence: synonymous variant. On other transcripts: intron variant (6).
Genome position (GRCh38, 1-based): chr16:2,082,476, A>G. VCF-style: chr16-2082476-A-G. GRCh37 (hg19) VCF-style: chr16-2132477-A-G.
Other names: c.3123A>G, p.Gly1041= (NM_001318831.2); c.3723A>G, p.Gly1241= (NM_001370404.1); c.3726A>G, p.Gly1242= (NM_001370405.1, NM_021055.3); c.3814+678A>G (NM_001114382.3); c.3685+678A>G (NM_001363528.2); c.3682+678A>G (NM_001077183.3); c.3574+678A>G (NM_001318827.2); c.3538+678A>G (NM_001318829.2); and 1 more.
Identifiers: ClinVar variation 413672 (VCV000413672.23), dbSNP rs891262541, ClinGen allele CA16615146.